The following is an entry in ClinVar:

NM_000051.4(ATM):c.408T>G (p.Ile136Met)

Gene: ATM (ATM serine/threonine kinase; plus strand). Cytogenetic location: 11q22.3.
Variant type: single nucleotide variant.
Coding change: c.408T>G on transcript NM_000051.4 (MANE Select); coding-DNA position 408, T replaced by G.
Protein change: p.Ile136Met; replaces isoleucine 136 with methionine.
Molecular consequence: missense variant.
Genome position (GRCh38, 1-based): chr11:108,235,746, T>G. VCF-style: chr11-108235746-T-G. GRCh37 (hg19) VCF-style: chr11-108106473-T-G.
Other names: c.408T>G, p.Ile136Met (NM_001351834.2); short protein forms I136M.
Identifiers: ClinVar variation 4761909 (VCV004761909.1).

ClinVar aggregate classification (germline): Uncertain significance (1 of 4 stars; one submission).

Conditions:
Ataxia-telangiectasia syndrome (AT). Also called: Ataxia telangiectasia (A-T); Cerebello-oculocutaneous telangiectasia; Immunodeficiency with ataxia telangiectasia; Ataxia-telangiectasia, complementation group D; AT, COMPLEMENTATION GROUP C; LOUIS-BAR SYNDROME. Identifiers: Orphanet 100, MedGen C0004135, MONDO:0008840, OMIM 208900.

gnomAD v4.1: 1 of 1,612,912 alleles (0.000062%); highest among the groups gnomAD compares: Non-Finnish European, 0.000085%; no homozygotes.

Submission:

Labcorp Genetics (formerly Invitae), Labcorp
Classification: Uncertain significance for Ataxia-telangiectasia syndrome. Last evaluated: 2025-04-18. Review status: criteria provided, single submitter. Criteria: Invitae Variant Classification Sherloc (09022015). Collection method: clinical testing. Allele origin: germline.
Comment: This sequence change replaces isoleucine, which is neutral and non-polar, with methionine, which is neutral and non-polar, at codon 136 of the ATM protein (p.Ile136Met). This variant is not present in population databases (gnomAD no frequency). This variant has not been reported in the literature in individuals affected with ATM-related conditions. Invitae Evidence Modeling of protein sequence and biophysical properties (such as structural, functional, and spatial information, amino acid conservation, physicochemical variation, residue mobility, and thermodynamic stability) indicates that this missense variant is not expected to disrupt ATM protein function with a negative predictive value of 95%. In summary, the available evidence is currently insufficient to determine the role of this variant in disease. Therefore, it has been classified as a Variant of Uncertain Significance.